The following is an entry in ClinVar:

NM_006531.5(IFT88):c.1189G>A (p.Gly397Ser)

Gene: IFT88 (intraflagellar transport 88; plus strand). Cytogenetic location: 13q12.11.
Variant type: single nucleotide variant.
Coding change: c.1189G>A on transcript NM_006531.5 (MANE Select); coding-DNA position 1189, G replaced by A.
Protein change: p.Gly397Ser; replaces glycine 397 with serine.
Molecular consequence: missense variant. On other transcripts: non-coding transcript variant (5), intron variant (1).
Genome position (GRCh38, 1-based): chr13:20,615,869, G>A. VCF-style: chr13-20615869-G-A. GRCh37 (hg19) VCF-style: chr13-21190008-G-A.
Other names: c.1132G>A, p.Gly378Ser (NM_001318491.2, NM_001353575.2); c.1216G>A, p.Gly406Ser (NM_001318493.2, NM_001353565.2, NM_001353566.2 and 2 more transcripts); c.1189G>A, p.Gly397Ser (NM_001353568.2, NM_001353572.2); c.1114G>A, p.Gly372Ser (NM_001353569.2, NM_001353570.2, NM_001353576.2 and 1 more transcripts); c.1087G>A, p.Gly363Ser (NM_001353571.2, NM_001353578.2); c.1030G>A, p.Gly344Ser (NM_001353574.2); c.556G>A, p.Gly186Ser (NM_001353579.2); c.1056-9881G>A (NM_001353573.2); short protein forms G363S, G397S, G372S, G186S, G344S, G406S, G378S.
Identifiers: ClinVar variation 4714188 (VCV004714188.1).

ClinVar aggregate classification (germline): Uncertain significance (1 of 4 stars; one submission).

Submission:

Labcorp Genetics (formerly Invitae), Labcorp
Classification: Uncertain significance. Last evaluated: 2025-03-03. Review status: criteria provided, single submitter. Criteria: Invitae Variant Classification Sherloc (09022015). Collection method: clinical testing. Allele origin: germline.
Comment: This sequence change replaces glycine, which is neutral and non-polar, with serine, which is neutral and polar, at codon 406 of the IFT88 protein (p.Gly406Ser). This variant is not present in population databases (gnomAD no frequency). This variant has not been reported in the literature in individuals affected with IFT88-related conditions. An algorithm developed to predict the effect of missense changes on protein structure and function (PolyPhen-2) suggests that this variant is likely to be disruptive. In summary, the available evidence is currently insufficient to determine the role of this variant in disease. Therefore, it has been classified as a Variant of Uncertain Significance.